The following is an entry in ClinVar:

NM_144670.6(A2ML1):c.540T>C (p.Ile180=)

Gene: A2ML1 (alpha-2-macroglobulin like 1; plus strand). Cytogenetic location: 12p13.31.
Variant type: single nucleotide variant.
Coding change: c.540T>C on transcript NM_144670.6 (MANE Select); coding-DNA position 540, T replaced by C.
Protein change: p.Ile180=; no amino-acid change (isoleucine 180 retained).
Molecular consequence: synonymous variant.
Genome position (GRCh38, 1-based): chr12:8,835,563, T>C. VCF-style: chr12-8835563-T-C. GRCh37 (hg19) VCF-style: chr12-8988159-T-C.
Other names: c.540T>C (NM_144670.5).
Identifiers: ClinVar variation 1584316 (VCV001584316.12), dbSNP rs377551636, ClinGen allele CA478300985.
Genomic context (GRCh38, chr12:8,835,563, plus strand): 5'-ACAGGATCCAAATAGCAACAGGATTGCACAGTGGCTGGAAGTGGTACCTGAGCAAGGCAT[T>C]GTAGACCTGTCCTTCCAACTGGCACCAGAGGCAATGCTGGGCACCTACACTGTGGCAGTG-3'
Protein context (NP_653271.3, residues 170-190): QWLEVVPEQG[Ile180=]VDLSFQLAPE

ClinVar aggregate classification (germline): Likely benign. Review status: criteria provided, multiple submitters, no conflicts (2 of 4 stars). 4 submissions from 4 submitters: Likely benign (3). 1 of the submissions does not count toward it. Last evaluated 2023-02-20.

Conditions:
A2ML1-related disorder. Also called: A2ML1-related condition.

gnomAD v4.1: 3 of 1,614,140 alleles (0.00019%); highest among the groups gnomAD compares: Middle Eastern, 0.016%; no homozygotes.

Submissions (4):

Women's Health and Genetics/Laboratory Corporation of America, LabCorp
Classification: Likely benign. Last evaluated: 2023-02-20. Review status: criteria provided, single submitter. Criteria: LabCorp Variant Classification Summary - May 2015. Collection method: clinical testing. Allele origin: germline.

Labcorp Genetics (formerly Invitae), Labcorp
Classification: Likely benign. Last evaluated: 2021-11-08. Review status: criteria provided, single submitter. Criteria: Invitae Variant Classification Sherloc (09022015). Collection method: clinical testing. Allele origin: germline.

Ambry Genetics
Classification: Likely benign. Last evaluated: 2021-02-17. Review status: criteria provided, single submitter. Criteria: Ambry Variant Classification Scheme 2023. Collection method: clinical testing. Allele origin: germline.

PreventionGenetics, part of Exact Sciences
Classification: Likely benign for A2ML1-related condition. Last evaluated: 2022-02-21. Review status: no assertion criteria provided. Collection method: clinical testing. Allele origin: germline. Not counted in ClinVar's aggregate classification.
Comment: This variant is classified as likely benign based on ACMG/AMP sequence variant interpretation guidelines (Richards et al. 2015 PMID: 25741868, with internal and published modifications).